The following is an entry in ClinVar:

ClinVar aggregate classification (germline): Uncertain significance. Review status: criteria provided, multiple submitters, no conflicts (2 of 4 stars). 2 submissions from 2 submitters: Uncertain significance (2). Last evaluated 2024-11-08.

Conditions:
3M syndrome 1. Also called: 3-M Syndrome, CUL7-Related. Identifiers: Orphanet 2616, MedGen C2678312, MONDO:0010117, OMIM 273750.
Inborn genetic diseases. Identifiers: MedGen C0950123, MeSH D030342.

Allele frequency attached by ClinVar (database versions not stated): gnomAD exomes below 0.00001; TOPMed below 0.00001.

Submissions (2):

Ambry Genetics
Classification: Uncertain significance for Inborn genetic diseases. Last evaluated: 2024-11-08. Review status: criteria provided, single submitter. Criteria: Ambry Variant Classification Scheme 2023. Collection method: clinical testing. Allele origin: germline.

3billion
Classification: Uncertain significance for 3M syndrome 1. Review status: criteria provided, single submitter. Criteria: ACMG Guidelines, 2015. Collection method: clinical testing. Allele origin: unknown. Affected: yes. Observed: 1 homozygote.
Comment: The variant is not observed in the gnomAD v2.1.1 dataset. Protein truncation variants are a common disease-causing mechanism. In silico tool predictions suggest damaging effect of the variant on gene or gene product (REVEL: 0.84; 3Cnet: 0.15). Therefore, this variant is classified as Uncertain significance according to the recommendation of ACMG/AMP guideline.

NM_014780.5(CUL7):c.3847T>C (p.Trp1283Arg)

Gene: CUL7 (cullin 7; minus strand). Cytogenetic location: 6p21.1.
Variant type: single nucleotide variant.
Coding change: c.3847T>C on transcript NM_014780.5 (MANE Select); coding-DNA position 3847, T replaced by C.
Protein change: p.Trp1283Arg; replaces tryptophan 1283 with arginine.
Molecular consequence: missense variant.
Genome position (GRCh38, 1-based): chr6:43,040,706, A>G on the plus strand (T>C on the coding strand, the complement: CUL7 is on the minus strand). VCF-style: chr6-43040706-A-G. GRCh37 (hg19) VCF-style: chr6-43008444-A-G.
Other names: c.3943T>C, p.Trp1315Arg (NM_001168370.2, NM_001374872.1); c.3847T>C (NM_014780.4); c.3847T>C, p.Trp1283Arg (NM_001374873.1); c.3844T>C, p.Trp1282Arg (NM_001374874.1); short protein forms W1282R, W1283R, W1315R.
Identifiers: ClinVar variation 2572378 (VCV002572378.2), dbSNP rs976687390, ClinGen allele CA138241631.